The following is an entry in ClinVar:

NM_000059.4(BRCA2):c.6495G>A (p.Leu2165=)

Gene: BRCA2 (BRCA2 DNA repair associated; plus strand). Cytogenetic location: 13q13.1.
Variant type: single nucleotide variant.
Coding change: c.6495G>A on transcript NM_000059.4 (MANE Select); coding-DNA position 6495, G replaced by A.
Protein change: p.Leu2165=; no amino-acid change (leucine 2165 retained).
Molecular consequence: synonymous variant.
Genome position (GRCh38, 1-based): chr13:32,340,850, G>A. VCF-style: chr13-32340850-G-A. GRCh37 (hg19) VCF-style: chr13-32914987-G-A.
Identifiers: ClinVar variation 433804 (VCV000433804.4), dbSNP rs1555284722, ClinGen allele CA483439064.

ClinVar aggregate classification (germline): Likely benign. Review status: criteria provided, single submitter (1 of 4 stars). 2 submissions from 2 submitters: Likely benign (1). 1 of the submissions does not count toward it. Last evaluated 2024-09-24.

Conditions:
Hereditary cancer-predisposing syndrome. Also called: Hereditary Cancer Syndrome; Hereditary neoplastic syndrome; Neoplastic Syndromes, Hereditary; Tumor predisposition. Identifiers: Orphanet 140162, MedGen C0027672, MeSH D009386, MONDO:0015356.
Malignant tumor of breast. Also called: Malignant breast neoplasm; Cancer breast. Identifiers: MedGen C0006142, MONDO:0007254. Disease mechanism: loss of function.

Submissions (2):

Color Diagnostics, LLC DBA Color Health
Classification: Likely benign for Hereditary cancer-predisposing syndrome. Last evaluated: 2024-09-24. Review status: criteria provided, single submitter. Criteria: ACMG Guidelines, 2015. Collection method: clinical testing. Allele origin: germline.

Department of Pathology and Laboratory Medicine, Sinai Health System
Classification: Likely benign for Malignant tumor of breast. Review status: no assertion criteria provided. Collection method: clinical testing. Allele origin: unknown. Affected: yes. Observed: 1 variant allele. Study: The Canadian Open Genetics Repository (COGR). Not counted in ClinVar's aggregate classification.
Comment: The BRCA2, p.Leu2165Leu variant was not identified in the literature, nor was it identified in the dbSNP, NHLBI Exome Sequencing Project (Exome Variant Server), Exome Aggregation Consortium (ExAC), Fanconi Anaemia LOVD, COSMIC, ClinVar, Clinvitae, GeneInsight VariantWire through the Canadian Open Genetics Repository, BIC, ARUP Laboratories, MutDB or BRCA Share UMD databases. The p.Leu2165Leu variant is not expected to have clinical significance because it does not result in a change of amino acid and is not located in a known consensus splice site. One of five in silico or computational prediction software programs (SpliceSiteFinder, MaxEntScan, NNSPLICE, GeneSplicer, HumanSpliceFinder) predict the loss of a cryptic 5â€šÃ„Ã´ donor site and one of five of the above programs predict the creation of a cryptic 3â€šÃ„Ã´ acceptor site. In summary, based on the above information, the clinical significance of this variant cannot be determined with certainty at this time although we would lean towards a more benign role for this variant. This variant is classified as predicted benign.